The following is an entry in ClinVar:

NM_033100.4(CDHR1):c.1210G>A (p.Gly404Ser)

Gene: CDHR1 (cadherin related family member 1; plus strand). Cytogenetic location: 10q23.1.
Variant type: single nucleotide variant.
Coding change: c.1210G>A on transcript NM_033100.4 (MANE Select); coding-DNA position 1210, G replaced by A.
Protein change: p.Gly404Ser; replaces glycine 404 with serine.
Molecular consequence: missense variant.
Genome position (GRCh38, 1-based): chr10:84,208,771, G>A. VCF-style: chr10-84208771-G-A. GRCh37 (hg19) VCF-style: chr10-85968527-G-A.
Other names: c.1210G>A, p.Gly404Ser (NM_001171971.3); short protein forms G404S.
Identifiers: ClinVar variation 2101934 (VCV002101934.4), dbSNP rs2492522584, ClinGen allele CA377375428.

ClinVar aggregate classification (germline): Uncertain significance (1 of 4 stars; one submission).

Allele frequency attached by ClinVar (database versions not stated): gnomAD exomes below 0.00001.
gnomAD v4.1: 1 of 1,614,142 alleles (0.000062%); highest among the groups gnomAD compares: Non-Finnish European, 0.000085%; no homozygotes.

Submission:

Labcorp Genetics (formerly Invitae), Labcorp
Classification: Uncertain significance. Last evaluated: 2022-02-22. Review status: criteria provided, single submitter. Criteria: Invitae Variant Classification Sherloc (09022015). Collection method: clinical testing. Allele origin: germline.
Comment: In summary, the available evidence is currently insufficient to determine the role of this variant in disease. Therefore, it has been classified as a Variant of Uncertain Significance. Advanced modeling of protein sequence and biophysical properties (such as structural, functional, and spatial information, amino acid conservation, physicochemical variation, residue mobility, and thermodynamic stability) performed at Invitae indicates that this missense variant is not expected to disrupt CDHR1 protein function. This variant has not been reported in the literature in individuals affected with CDHR1-related conditions. This variant is not present in population databases (gnomAD no frequency). This sequence change replaces glycine, which is neutral and non-polar, with serine, which is neutral and polar, at codon 404 of the CDHR1 protein (p.Gly404Ser).